The following is an entry in ClinVar:

NM_003719.5(PDE8B):c.1908A>G (p.Val636=)

Gene: PDE8B (phosphodiesterase 8B; plus strand). Cytogenetic location: 5q13.3.
Variant type: single nucleotide variant.
Coding change: c.1908A>G on transcript NM_003719.5 (MANE Select); coding-DNA position 1908, A replaced by G.
Protein change: p.Val636=; no amino-acid change (valine 636 retained).
Molecular consequence: synonymous variant.
Genome position (GRCh38, 1-based): chr5:77,413,306, A>G. VCF-style: chr5-77413306-A-G. GRCh37 (hg19) VCF-style: chr5-76709131-A-G.
Other names: c.1617A>G, p.Val539= (NM_001029851.4); c.1743A>G, p.Val581= (NM_001029852.4); c.1848A>G, p.Val616= (NM_001029853.4); c.1767A>G, p.Val589= (NM_001029854.4); c.1905A>G, p.Val635= (NM_001349748.3, NM_001349751.3); c.1971A>G, p.Val657= (NM_001349749.3); c.1668A>G, p.Val556= (NM_001349750.3); c.1602A>G, p.Val534= (NM_001349752.3); and 12 more.
Identifiers: ClinVar variation 2655551 (VCV002655551.25), dbSNP rs746982817, ClinGen allele CA3315371.

ClinVar aggregate classification (germline): Likely benign. Review status: criteria provided, multiple submitters, no conflicts (2 of 4 stars). 2 submissions from 2 submitters: Likely benign (2). Last evaluated 2025-01-13.

Allele frequency attached by ClinVar (database versions not stated): TOPMed below 0.00001; gnomAD 0.00001; ExAC 0.00002; gnomAD exomes 0.00003.
gnomAD v4.1: 44 of 1,613,346 alleles (0.0027%); highest among the groups gnomAD compares: Non-Finnish European, 0.0035%; no homozygotes.

Submissions (2):

Women's Health and Genetics/Laboratory Corporation of America, LabCorp
Classification: Likely benign. Last evaluated: 2025-01-13. Review status: criteria provided, single submitter. Criteria: LabCorp Variant Classification Summary - May 2015. Collection method: clinical testing. Allele origin: germline.

CeGaT Center for Human Genetics Tuebingen
Classification: Likely benign. Last evaluated: 2023-08-01. Review status: criteria provided, single submitter. Criteria: CeGaT Center For Human Genetics Tuebingen Variant Classification Criteria Version 2. Collection method: clinical testing. Allele origin: germline. Affected: yes. Observed: 1 variant allele.
Comment: PDE8B: BP4, BP7